The following is an entry in ClinVar:

ClinVar aggregate classification (germline): Likely benign. Review status: criteria provided, single submitter (1 of 4 stars). 2 submissions from 2 submitters: Likely benign (1). 1 of the submissions does not count toward it. Last evaluated 2025-06-24.

Conditions:
INPPL1-related disorder. Also called: INPPL1-related condition.

Allele frequency attached by ClinVar (database versions not stated): ExAC 0.00006; gnomAD exomes 0.00007; gnomAD 0.00007; TOPMed 0.00005; ESP Exome Variant Server 0.00023.
gnomAD v4.1: 115 of 1,578,228 alleles (0.0073%); highest among the groups gnomAD compares: Non-Finnish European, 0.009%; no homozygotes.

Submissions (2):

Labcorp Genetics (formerly Invitae), Labcorp
Classification: Likely benign. Last evaluated: 2025-06-24. Review status: criteria provided, single submitter. Criteria: Invitae Variant Classification Sherloc (09022015). Collection method: clinical testing. Allele origin: germline.

PreventionGenetics, part of Exact Sciences
Classification: Likely benign for INPPL1-related condition. Last evaluated: 2019-06-24. Review status: no assertion criteria provided. Collection method: clinical testing. Allele origin: germline. Not counted in ClinVar's aggregate classification.
Comment: This variant is classified as likely benign based on ACMG/AMP sequence variant interpretation guidelines (Richards et al. 2015 PMID: 25741868, with internal and published modifications).

NM_001567.4(INPPL1):c.518+9C>G

Gene: INPPL1 (inositol polyphosphate phosphatase like 1; plus strand). Cytogenetic location: 11q13.4.
Variant type: single nucleotide variant.
Coding change: c.518+9C>G on transcript NM_001567.4 (MANE Select); 9 bases into the intron after coding-DNA position 518, C replaced by G.
Molecular consequence: intron variant.
Genome position (GRCh38, 1-based): chr11:72,228,856, C>G. VCF-style: chr11-72228856-C-G. GRCh37 (hg19) VCF-style: chr11-71939900-C-G.
Other names: c.518+9C>G (NM_001567.3).
Identifiers: ClinVar variation 2891775 (VCV002891775.5), dbSNP rs201835641, ClinGen allele CA6169687.